The following is an entry in ClinVar:

NM_001127392.3(MYRF):c.1817G>C (p.Arg606Thr)

Gene: MYRF (myelin regulatory factor; plus strand). Cytogenetic location: 11q12.2.
Variant type: single nucleotide variant.
Coding change: c.1817G>C on transcript NM_001127392.3 (MANE Select); coding-DNA position 1817, G replaced by C.
Protein change: p.Arg606Thr; replaces arginine 606 with threonine.
Molecular consequence: missense variant.
Genome position (GRCh38, 1-based): chr11:61,777,759, G>C. VCF-style: chr11-61777759-G-C. GRCh37 (hg19) VCF-style: chr11-61545231-G-C.
Other names: c.1790G>C, p.Arg597Thr (NM_013279.4); short protein forms R597T, R606T.
Identifiers: ClinVar variation 4845526 (VCV004845526.1).

ClinVar aggregate classification (germline): Uncertain significance (1 of 4 stars; one submission).

gnomAD v4.1: 4 of 1,551,882 alleles (0.00026%); highest among the groups gnomAD compares: Admixed American, 0.0059%; no homozygotes.

Submission:

Greenwood Genetic Center Diagnostic Laboratories, Greenwood Genetic Center
Classification: Uncertain significance. Last evaluated: 2025-12-12. Review status: criteria provided, single submitter. Criteria: ACMG Guidelines, 2015. Collection method: clinical testing. Allele origin: germline. Affected: yes.
Comment: PP2